The following is an entry in ClinVar:

ClinVar aggregate classification (germline): Uncertain significance. Review status: criteria provided, multiple submitters, no conflicts (2 of 4 stars). 2 submissions from 2 submitters: Uncertain significance (2). Last evaluated 2025-06-22.

Conditions:
Inborn genetic diseases. Identifiers: MedGen C0950123, MeSH D030342.
Osteogenesis imperfecta type 8 (OI8). Identifiers: MedGen C1970458, MONDO:0012581, OMIM 610915.

Allele frequency attached by ClinVar (database versions not stated): TOPMed 0.00001.

Submissions (2):

Ambry Genetics
Classification: Uncertain significance for Inborn genetic diseases. Last evaluated: 2025-06-22. Review status: criteria provided, single submitter. Criteria: Ambry Variant Classification Scheme 2023. Collection method: clinical testing. Allele origin: germline.

Labcorp Genetics (formerly Invitae), Labcorp
Classification: Uncertain significance for Osteogenesis imperfecta type 8. Last evaluated: 2022-02-08. Review status: criteria provided, single submitter. Criteria: Invitae Variant Classification Sherloc (09022015). Collection method: clinical testing. Allele origin: germline.
Comment: In summary, the available evidence is currently insufficient to determine the role of this variant in disease. Therefore, it has been classified as a Variant of Uncertain Significance. Algorithms developed to predict the effect of missense changes on protein structure and function are either unavailable or do not agree on the potential impact of this missense change (SIFT: "Deleterious"; PolyPhen-2: "Probably Damaging"; Align-GVGD: "Class C15"). This variant has not been reported in the literature in individuals affected with P3H1-related conditions. This variant is not present in population databases (gnomAD no frequency). This sequence change replaces histidine, which is basic and polar, with leucine, which is neutral and non-polar, at codon 176 of the P3H1 protein (p.His176Leu).

NM_022356.4(P3H1):c.527A>T (p.His176Leu)

Gene: P3H1 (prolyl 3-hydroxylase 1; minus strand). Cytogenetic location: 1p34.2.
Variant type: single nucleotide variant.
Coding change: c.527A>T on transcript NM_022356.4 (MANE Select); coding-DNA position 527, A replaced by T.
Protein change: p.His176Leu; replaces histidine 176 with leucine.
Molecular consequence: missense variant.
Genome position (GRCh38, 1-based): chr1:42,762,414, T>A on the plus strand (A>T on the coding strand, the complement: P3H1 is on the minus strand). VCF-style: chr1-42762414-T-A. GRCh37 (hg19) VCF-style: chr1-43228085-T-A.
Other names: c.527A>T, p.His176Leu (NM_001146289.2, NM_001243246.2); short protein forms H176L.
Identifiers: ClinVar variation 1954298 (VCV001954298.4), dbSNP rs1652771382, ClinGen allele CA339962230.